The following is an entry in ClinVar:

ClinVar aggregate classification (germline): Uncertain significance (1 of 4 stars; one submission).

Submission:

Labcorp Genetics (formerly Invitae), Labcorp
Classification: Uncertain significance. Last evaluated: 2024-10-07. Review status: criteria provided, single submitter. Criteria: Invitae Variant Classification Sherloc (09022015). Collection method: clinical testing. Allele origin: germline.
Comment: This sequence change replaces lysine, which is basic and polar, with glutamine, which is neutral and polar, at codon 269 of the KIF14 protein (p.Lys269Gln). This variant is not present in population databases (gnomAD no frequency). This variant has not been reported in the literature in individuals affected with KIF14-related conditions. ClinVar contains an entry for this variant (Variation ID: 2074530). An algorithm developed to predict the effect of missense changes on protein structure and function outputs the following: PolyPhen-2: "Benign". The glutamine amino acid residue is found in multiple mammalian species, which suggests that this missense change does not adversely affect protein function. In summary, the available evidence is currently insufficient to determine the role of this variant in disease. Therefore, it has been classified as a Variant of Uncertain Significance.

NM_014875.3(KIF14):c.805A>C (p.Lys269Gln)

Gene: KIF14 (kinesin family member 14; minus strand). Cytogenetic location: 1q32.1.
Variant type: single nucleotide variant.
Coding change: c.805A>C on transcript NM_014875.3 (MANE Select); coding-DNA position 805, A replaced by C.
Protein change: p.Lys269Gln; replaces lysine 269 with glutamine.
Molecular consequence: missense variant. On other transcripts: 5 prime UTR variant (1).
Genome position (GRCh38, 1-based): chr1:200,617,919, T>G on the plus strand (A>C on the coding strand, the complement: KIF14 is on the minus strand). VCF-style: chr1-200617919-T-G. GRCh37 (hg19) VCF-style: chr1-200587047-T-G.
Other names: c.-581A>C (NM_001305792.1); short protein forms K269Q.
Identifiers: ClinVar variation 2074530 (VCV002074530.4), dbSNP rs2527800267, ClinGen allele CA344111546.